The following is an entry in ClinVar:

NM_152722.5(HEPACAM):c.862C>T (p.Arg288Cys)

Gene: HEPACAM (hepatic and glial cell adhesion molecule; minus strand). Cytogenetic location: 11q24.2.
Variant type: single nucleotide variant.
Coding change: c.862C>T on transcript NM_152722.5 (MANE Select); coding-DNA position 862, C replaced by T.
Protein change: p.Arg288Cys; replaces arginine 288 with cysteine.
Molecular consequence: missense variant.
Genome position (GRCh38, 1-based): chr11:124,922,760, G>A on the plus strand (C>T on the coding strand, the complement: HEPACAM is on the minus strand). VCF-style: chr11-124922760-G-A. GRCh37 (hg19) VCF-style: chr11-124792656-G-A.
Other names: short protein forms R288C.
Identifiers: ClinVar variation 303327 (VCV000303327.56), dbSNP rs149782549, ClinGen allele CA6345625.

ClinVar aggregate classification (germline): Conflicting classifications of pathogenicity. Review status: criteria provided, conflicting classifications (1 of 4 stars). 5 submissions from 5 submitters: Uncertain significance (2); Likely benign (3). Last evaluated 2026-09-01.

Conditions:
Inborn genetic diseases. Identifiers: MedGen C0950123, MeSH D030342.

Allele frequency attached by ClinVar (database versions not stated): TOPMed 0.00041; gnomAD exomes 0.00043; ExAC 0.00052; gnomAD 0.00052 and 0.00053; ESP Exome Variant Server 0.00085.
gnomAD v4.1: 689 of 1,614,026 alleles (0.043%); highest among the groups gnomAD compares: Non-Finnish European, 0.053%; 2 homozygotes.

Submissions (5):

CeGaT Center for Human Genetics Tuebingen
Classification: Likely benign. Last evaluated: 2026-09-01. Review status: criteria provided, single submitter. Criteria: CeGaT Center For Human Genetics Tuebingen Variant Classification Criteria Version 2. Collection method: clinical testing. Allele origin: germline. Affected: yes. Observed: 9 variant alleles.
Comment: HEPACAM: BP4, BS2

Labcorp Genetics (formerly Invitae), Labcorp
Classification: Likely benign. Last evaluated: 2026-02-01. Review status: criteria provided, single submitter. Criteria: Invitae Variant Classification Sherloc (09022015). Collection method: clinical testing. Allele origin: germline.

Blueprint Genetics
Classification: Likely benign. Last evaluated: 2024-11-27. Review status: criteria provided, single submitter. Criteria: ACMG Guidelines, 2015. Collection method: clinical testing. Allele origin: germline.

Ambry Genetics
Classification: Uncertain significance for Inborn genetic diseases. Last evaluated: 2022-09-26. Review status: criteria provided, single submitter. Criteria: Ambry Variant Classification Scheme 2023. Collection method: clinical testing. Allele origin: germline.
Comment: Unlikely to be causative of HEPACAM-related megalencephalic leukoencephalopathy with subcortical cysts (AD) Based on insufficient or conflicting evidence, the clinical significance of this alteration remains unclear.

GeneDx
Classification: Uncertain significance. Last evaluated: 2022-03-30. Review status: criteria provided, single submitter. Criteria: GeneDx Variant Classification Process June 2021. Collection method: clinical testing. Allele origin: germline. Affected: yes.
Comment: Previously reported in cis with a second HRPACAM variant in a child with macrocephaly, and normal early development; both alleles were inherited from unaffected father; therefore the pathogenicity of this variant is unclear (Lpez-Hernandez et al., 2011); In silico analysis supports that this missense variant does not alter protein structure/function; This variant is associated with the following publications: (PMID: 21419380)

Literature cited by the submitters: PubMed 21419380 (cited by Ambry Genetics).